The following is an entry in ClinVar:

NM_032130.3(FAM186B):c.823C>T (p.Gln275Ter)

Gene: FAM186B (family with sequence similarity 186 member B; minus strand). Cytogenetic location: 12q13.12.
Variant type: single nucleotide variant.
Coding change: c.823C>T on transcript NM_032130.3 (MANE Select); coding-DNA position 823, C replaced by T.
Protein change: p.Gln275Ter; replaces glutamine 275 with a stop codon.
Molecular consequence: nonsense. On other transcripts: non-coding transcript variant (1).
Genome position (GRCh38, 1-based): chr12:49,600,817, G>A on the plus strand (C>T on the coding strand, the complement: FAM186B is on the minus strand). VCF-style: chr12-49600817-G-A. GRCh37 (hg19) VCF-style: chr12-49994600-G-A.
Other names: short protein forms Q275*.
Identifiers: ClinVar variation 3695543 (VCV003695543.2).
Genomic context (GRCh38, chr12:49,600,817, plus strand): 5'-TCAGCAGAGCATCCCTCCTGCTCTCAAGGACCTCCATGAACTGCTGGAAGTGCAGCCTCT[G>A]GCTGCTGAGCTCTTTGGTCGCCTGCATTTGCAGGTGCCTGTATTTGGTCTCCAGGCTCCT-3'

ClinVar aggregate classification (germline): Uncertain significance (1 of 4 stars; one submission).

gnomAD v4.1: 20 of 1,612,074 alleles (0.0012%); highest among the groups gnomAD compares: East Asian, 0.0022%; no homozygotes.

Submission:

Labcorp Genetics (formerly Invitae), Labcorp
Classification: Uncertain significance. Last evaluated: 2024-10-06. Review status: criteria provided, single submitter. Criteria: Invitae Variant Classification Sherloc (09022015). Collection method: clinical testing. Allele origin: germline.
Comment: This sequence change creates a premature translational stop signal (p.Gln275*) in the FAM186B gene. It is expected to result in an absent or disrupted protein product. However, the current clinical and genetic evidence is not sufficient to establish whether loss-of-function variants in FAM186B cause disease. This variant is present in population databases (rs760840940, gnomAD 0.006%). This variant has not been reported in the literature in individuals affected with FAM186B-related conditions. In summary, the available evidence is currently insufficient to determine the role of this variant in disease. Therefore, it has been classified as a Variant of Uncertain Significance.